The following is an entry in ClinVar:

ClinVar aggregate classification (germline): Conflicting classifications of pathogenicity. Review status: criteria provided, conflicting classifications (1 of 4 stars). 11 submissions from 11 submitters: Uncertain significance (8); Likely benign (1). 2 of the submissions do not count toward it. Last evaluated 2026-03-04.

Conditions:
DSP-related disorder. Also called: DSP-related condition; DSP-related disorders.
Cardiovascular phenotype. Identifiers: MedGen CN230736.
Woolly hair-skin fragility syndrome (WHSF). Identifiers: Orphanet 293165, MedGen C1843292, MONDO:0957307, OMIM 620415.
Lethal acantholytic epidermolysis bullosa (EBLA). Identifiers: Orphanet 158687, MedGen C1864826, MONDO:0012323, OMIM 609638.
Cardiomyopathy, dilated, with wooly hair, keratoderma, and tooth agenesis. Also called: Erythrokeratodermia-cardiomyopathy syndrome; Cardiomyopathy, dilated, with woolly hair, keratoderma, and tooth agenesis. Identifiers: Orphanet 476096, Orphanet 65282, MedGen C4014393, MONDO:0014355, OMIM 615821.
Keratosis palmoplantaris striata 2. Also called: Keratosis palmoplantaris striata II; KERATODERMA, PALMOPLANTAR, STRIATE FORM II; STRIATE PALMOPLANTAR KERATODERMA II. Identifiers: MedGen C1852127, MONDO:0013034, OMIM 612908.
Arrhythmogenic right ventricular dysplasia 8 (ARVD8). Also called: ARRHYTHMOGENIC RIGHT VENTRICULAR CARDIOMYOPATHY 8; ARRHYTHMOGENIC RIGHT VENTRICULAR DYSPLASIA, FAMILIAL, 8; Arrhythmogenic Right Ventricular Dysplasia/Cardiomyopathy 8. Identifiers: MedGen C1843896, MONDO:0011831, OMIM 607450.
Arrhythmogenic cardiomyopathy with wooly hair and keratoderma. Also called: Dilated cardiomyopathy with woolly hair and keratoderma; PALMOPLANTAR KERATODERMA WITH LEFT VENTRICULAR CARDIOMYOPATHY AND WOOLLY HAIR; Arrhythmogenic cardiomyopathy with woolly hair and keratoderma; Carvajal syndrome. Identifiers: Orphanet 65282, MedGen C1854063, MONDO:0011581, OMIM 605676.
Cardiomyopathy (CMYO). Also called: Cardiomyopathies. Identifiers: Orphanet 167848, MedGen C0878544, MONDO:0004994, HP:0001638. Inheritance: Various modes of inheritance.

Allele frequency attached by ClinVar (database versions not stated): TOPMed 0.00007; gnomAD 0.00009 and 0.00010; ExAC 0.00012; ESP Exome Variant Server 0.00015.

Submissions (11):

PreventionGenetics, part of Exact Sciences
Classification: Uncertain significance for DSP-related condition. Last evaluated: 2026-03-04. Review status: criteria provided, single submitter. Criteria: ACMG Guidelines, 2015. Collection method: clinical testing. Allele origin: germline.
Comment: The DSP c.3922C>T variant is predicted to result in the amino acid substitution p.Arg1308Trp. This variant has been reported in an individual who died of sudden arrhythmic death during exercise (Campuzano et al. 2017. PubMed ID: 28255936). This variant is reported in 0.016% of alleles in individuals of European (Non-Finnish) descent in gnomAD. At this time, the clinical significance of this variant is uncertain due to the absence of conclusive functional and genetic evidence.

Labcorp Genetics (formerly Invitae), Labcorp
Classification: Likely benign for Arrhythmogenic cardiomyopathy with wooly hair and keratoderma; Arrhythmogenic right ventricular dysplasia 8. Last evaluated: 2026-01-27. Review status: criteria provided, single submitter. Criteria: Invitae Variant Classification Sherloc (09022015). Collection method: clinical testing. Allele origin: germline.

Ambry Genetics
Classification: Uncertain significance for Cardiovascular phenotype. Last evaluated: 2024-11-26. Review status: criteria provided, single submitter. Criteria: Ambry Variant Classification Scheme 2023. Collection method: clinical testing. Allele origin: germline.
Comment: The p.R1308W variant (also known as c.3922C>T), located in coding exon 23 of the DSP gene, results from a C to T substitution at nucleotide position 3922. The arginine at codon 1308 is replaced by tryptophan, an amino acid with dissimilar properties. This alteration has been detected once in an individual with unexplained sudden death (Campuzano O et al. Sports Med, 2017 Oct;47:2101-2115). This amino acid position is well conserved in available vertebrate species. In addition, the in silico prediction for this alteration is inconclusive. Since supporting evidence is limited at this time, the clinical significance of this alteration remains unclear.

Blueprint Genetics
Classification: Uncertain significance. Last evaluated: 2024-11-06. Review status: criteria provided, single submitter. Criteria: ACMG Guidelines, 2015. Collection method: clinical testing. Allele origin: germline.

GeneDx
Classification: Uncertain significance. Last evaluated: 2024-11-05. Review status: criteria provided, single submitter. Criteria: GeneDx Variant Classification Process June 2021. Collection method: clinical testing. Allele origin: germline. Affected: yes.
Comment: Identified in a patient with sudden cardiac death while exercising who also harbored additional cardiogenetic variants (PMID: 28255936); In silico analysis indicates that this missense variant does not alter protein structure/function; This variant is associated with the following publications: (PMID: 28255936)

All of Us Research Program, National Institutes of Health
Classification: Uncertain significance for Arrhythmogenic cardiomyopathy with wooly hair and keratoderma. Last evaluated: 2024-06-17. Review status: criteria provided, single submitter. Criteria: ACMG Guidelines, 2015. Collection method: clinical testing. Allele origin: germline. Inheritance: Autosomal dominant inheritance. Observed: 25 variant alleles, 25 heterozygotes.
Comment: This missense variant replaces arginine with tryptophan at codon 1308 of the DSP protein. Computational prediction suggests that this variant may not impact protein structure and function (internally defined REVEL score threshold <= 0.5, PMID: 27666373). To our knowledge, functional studies have not been reported for this variant. This variant has been reported in an individual affected with sudden unexplained death (PMID: 28255936). This variant has been identified in 24/282038 chromosomes in the general population by the Genome Aggregation Database (gnomAD). The available evidence is insufficient to determine the role of this variant in disease conclusively. Therefore, this variant is classified as a Variant of Uncertain Significance.

This study involves interpretation of variants in research participants for the purpose of population health screening. Participant phenotype was not available at the time of variant classification. Additional details can be found in publication PMID: 35346344, PMCID: PMC8962531

Color Diagnostics, LLC DBA Color Health
Classification: Uncertain significance for Cardiomyopathy. Last evaluated: 2024-06-06. Review status: criteria provided, single submitter. Criteria: ACMG Guidelines, 2015. Collection method: clinical testing. Allele origin: germline.
Comment: This missense variant replaces arginine with tryptophan at codon 1308 of the DSP protein. Computational prediction suggests that this variant may not impact protein structure and function (internally defined REVEL score threshold <= 0.5, PMID: 27666373). To our knowledge, functional studies have not been reported for this variant. This variant has been reported in an individual affected with sudden unexplained death (PMID: 28255936). This variant has been identified in 24/282038 chromosomes in the general population by the Genome Aggregation Database (gnomAD). The available evidence is insufficient to determine the role of this variant in disease conclusively. Therefore, this variant is classified as a Variant of Uncertain Significance.

Fulgent Genetics
Classification: Uncertain significance for Arrhythmogenic cardiomyopathy with wooly hair and keratoderma; Arrhythmogenic right ventricular dysplasia 8; Lethal acantholytic epidermolysis bullosa; Keratosis palmoplantaris striata 2; Cardiomyopathy, dilated, with wooly hair, keratoderma, and tooth agenesis. Last evaluated: 2021-08-30. Review status: criteria provided, single submitter. Criteria: ACMG Guidelines, 2015. Collection method: clinical testing. Allele origin: unknown.

CHEO Genetics Diagnostic Laboratory, Children's Hospital of Eastern Ontario
Classification: Uncertain significance for Cardiomyopathy. Last evaluated: 2019-07-05. Review status: criteria provided, single submitter. Criteria: ACMG Guidelines, 2015. Collection method: clinical testing. Allele origin: germline.

Genome Diagnostics Laboratory, University Medical Center Utrecht
Classification: Likely benign. Review status: no assertion criteria provided. Collection method: clinical testing. Allele origin: germline. Affected: yes. Study: VKGL Data-share Consensus. Not counted in ClinVar's aggregate classification.

Joint Genome Diagnostic Labs from Nijmegen and Maastricht, Radboudumc and MUMC+
Classification: Likely benign. Review status: no assertion criteria provided. Collection method: clinical testing. Allele origin: germline. Affected: yes. Study: VKGL Data-share Consensus. Not counted in ClinVar's aggregate classification.

Literature cited by the submitters: PubMed 28255936 (cited by 3 submitters).

NM_004415.4(DSP):c.3922C>T (p.Arg1308Trp)

Gene: DSP (desmoplakin; plus strand). Cytogenetic location: 6p24.3.
Variant type: single nucleotide variant.
Coding change: c.3922C>T on transcript NM_004415.4 (MANE Select); coding-DNA position 3922, C replaced by T.
Protein change: p.Arg1308Trp; replaces arginine 1308 with tryptophan.
Molecular consequence: missense variant. On other transcripts: intron variant (1).
Genome position (GRCh38, 1-based): chr6:7,580,112, C>T. VCF-style: chr6-7580112-C-T. GRCh37 (hg19) VCF-style: chr6-7580345-C-T.
Other names: c.3922C>T (LRG_423t1, NM_004415.3); c.3922C>T, p.Arg1308Trp (NM_001319034.2); c.3582+340C>T (NM_001008844.3); short protein forms R1308W.
Identifiers: ClinVar variation 264035 (VCV000264035.34), dbSNP rs144641271, ClinGen allele CA039598.
Genomic context (GRCh38, chr6:7,580,112, plus strand): 5'-AAGCAGCATCTGGAGATAGAACTGAAGCAGGTCATGCAGCAGCGCTCTGAGGACAATGCC[C>T]GGCACAAGCAGTCCCTGGAGGAGGCTGCCAAGACCATTCAGGACAAAAATAAGGAGATCG-3'
Protein context (NP_004406.2, residues 1298-1318): VMQQRSEDNA[Arg1308Trp]HKQSLEEAAK